The following is an entry in ClinVar:

NM_000543.5(SMPD1):c.1730A>G (p.His577Arg)

Gene: SMPD1 (sphingomyelin phosphodiesterase 1; plus strand). Cytogenetic location: 11p15.4.
Variant type: single nucleotide variant.
Coding change: c.1730A>G on transcript NM_000543.5 (MANE Select); coding-DNA position 1730, A replaced by G.
Protein change: p.His577Arg; replaces histidine 577 with arginine.
Molecular consequence: missense variant. On other transcripts: 3 prime UTR variant (1), non-coding transcript variant (2).
Genome position (GRCh38, 1-based): chr11:6,394,441, A>G. VCF-style: chr11-6394441-A-G. GRCh37 (hg19) VCF-style: chr11-6415671-A-G.
Other names: c.1727A>G, p.His576Arg (NM_001007593.3); c.*223A>G (NM_001318087.2); c.809A>G, p.His270Arg (NM_001318088.2); c.1598A>G, p.His533Arg (NM_001365135.2); short protein forms H577R, H533R, H270R, H576R.
Identifiers: ClinVar variation 550112 (VCV000550112.17), dbSNP rs1554935669, ClinGen allele CA379376932.

ClinVar aggregate classification (germline): Pathogenic/Likely pathogenic. Review status: criteria provided, multiple submitters, no conflicts (2 of 4 stars). 7 submissions from 7 submitters: Pathogenic (1); Likely pathogenic (5). 1 of the submissions does not count toward it. Last evaluated 2024-03-29.

Conditions:
Niemann-Pick disease, type B. Also called: Chronic Visceral ASMD (Niemann-Pick Disease Type B; NPD-B). Identifiers: Orphanet 77293, MedGen C0268243, MONDO:0011871, OMIM 607616. Disease mechanism: loss of function.
Niemann-Pick disease, type A. Also called: Infantile Neurovisceral ASMD (Niemann-Pick Disease Type A; NPD-A); SPHINGOMYELIN LIPIDOSIS; SPHINGOMYELINASE DEFICIENCY. Identifiers: Orphanet 77292, MedGen C0268242, MONDO:0009756, OMIM 257200. Disease mechanism: loss of function.
Sphingomyelin/cholesterol lipidosis. Also called: Niemann-Pick disease. Identifiers: MedGen C0028064, MONDO:0001982.

Allele frequency attached by ClinVar (database versions not stated): gnomAD 0.00001.
gnomAD v4.1: 3 of 1,614,054 alleles (0.00019%); highest among the groups gnomAD compares: Non-Finnish European, 0.00025%; no homozygotes.

Submissions (7):

Baylor Genetics
Classification: Likely pathogenic for Niemann-Pick disease, type A. Last evaluated: 2024-03-29. Review status: criteria provided, single submitter. Criteria: ACMG Guidelines, 2015. Collection method: clinical testing. Allele origin: unknown.

Women's Health and Genetics/Laboratory Corporation of America, LabCorp
Classification: Likely pathogenic for Sphingomyelin/cholesterol lipidosis. Last evaluated: 2023-08-28. Review status: criteria provided, single submitter. Criteria: LabCorp Variant Classification Summary - May 2015. Collection method: clinical testing. Allele origin: germline.
Comment: Variant summary: SMPD1 c.1730A>G (p.His577Arg) results in a non-conservative amino acid change located in the Sphingomyelin phosphodiesterase, C-terminal domain (IPR045473) of the encoded protein sequence. Three of five in-silico tools predict a damaging effect of the variant on protein function. The variant was absent in 251448 control chromosomes (gnomAD). c.1730A>G has been reported in the literature in compound heterozygous and homozygous individuals affected with Niemann-Pick Disease (Desnick_2010, Deshpande_2021). These data indicate that the variant may be associated with disease. At least one publication reports experimental evidence evaluating an impact on protein function and p.H577R had less than 1% of expressed wild-type activity (Desnick_2010). The following publications have been ascertained in the context of this evaluation (PMID: 34273913, 20386867, 27435900). Five submitters have cited clinical-significance assessments for this variant to ClinVar after 2014 and classified this variant as uncertain significance (n=1, likely pathogenic (n=3) and pathogenic (n=1). Based on the evidence outlined above, the variant was classified as likely pathogenic.

Revvity Omics, Revvity
Classification: Likely pathogenic. Last evaluated: 2022-11-03. Review status: criteria provided, single submitter. Criteria: ACMG Guidelines, 2015. Collection method: clinical testing. Allele origin: germline.

Labcorp Genetics (formerly Invitae), Labcorp
Classification: Pathogenic for Niemann-Pick disease, type B; Niemann-Pick disease, type A. Last evaluated: 2022-08-16. Review status: criteria provided, single submitter. Criteria: Invitae Variant Classification Sherloc (09022015). Collection method: clinical testing. Allele origin: germline.
Comment: Algorithms developed to predict the effect of sequence changes on RNA splicing suggest that this variant may create or strengthen a splice site. This sequence change replaces histidine, which is basic and polar, with arginine, which is basic and polar, at codon 577 of the SMPD1 protein (p.His577Arg). This variant is not present in population databases (gnomAD no frequency). This missense change has been observed in individual(s) with Niemann-Pick disease (PMID: 20386867, 34273913). ClinVar contains an entry for this variant (Variation ID: 550112). Advanced modeling of protein sequence and biophysical properties (such as structural, functional, and spatial information, amino acid conservation, physicochemical variation, residue mobility, and thermodynamic stability) performed at Invitae indicates that this missense variant is expected to disrupt SMPD1 protein function. Experimental studies have shown that this missense change affects SMPD1 function (PMID: 20386867). This variant disrupts the p.His577 amino acid residue in SMPD1. Other variant(s) that disrupt this residue have been observed in individuals with SMPD1-related conditions (PMID: 12712061, 20386867, 26499107), which suggests that this may be a clinically significant amino acid residue. For these reasons, this variant has been classified as Pathogenic.

Mendelics
Classification: Likely pathogenic for Niemann-Pick disease, type A. Last evaluated: 2022-05-04. Review status: criteria provided, single submitter. Criteria: Mendelics Assertion Criteria 2019. Collection method: clinical testing. Allele origin: germline.

Diagnostics Division, CENTRE FOR DNA FINGERPRINTING AND DIAGNOSTICS
Classification: Likely pathogenic for Niemann-Pick disease, type A; Niemann-Pick disease, type B. Last evaluated: 2021-04-25. Review status: criteria provided, single submitter. Criteria: ACMG Guidelines, 2015. Collection method: research. Allele origin: germline. Affected: yes. Observed: 1 variant allele.

Counsyl
Classification: Uncertain significance for Niemann-Pick disease, type A. Last evaluated: 2016-12-29. Review status: no assertion criteria provided. Collection method: clinical testing. Allele origin: unknown. Not counted in ClinVar's aggregate classification.

Literature cited by the submitters: PubMed 27435900 (cited by Women's Health and Genetics/Laboratory Corporation of America, LabCorp); PubMed 20386867 (cited by 3 submitters); PubMed 34273913 (cited by Women's Health and Genetics/Laboratory Corporation of America, LabCorp and Labcorp Genetics (formerly Invitae), Labcorp); PubMed 12712061 (cited by Labcorp Genetics (formerly Invitae), Labcorp); PubMed 26499107 (cited by Labcorp Genetics (formerly Invitae), Labcorp).